The following is an entry in ClinVar:

ClinVar aggregate classification (germline): Conflicting classifications of pathogenicity. Review status: criteria provided, conflicting classifications (1 of 4 stars). 19 submissions from 15 submitters: Uncertain significance (3); Benign (7); Likely benign (6). 3 of the submissions do not count toward it. Last evaluated 2026-07-01.

Conditions:
TTN-related disorder. Also called: TTN-related disorders; TTN-related condition; TTN-related disease.
Cardiovascular phenotype. Identifiers: MedGen CN230736.
Autosomal recessive limb-girdle muscular dystrophy type 2J (LGMDR10). Also called: MUSCULAR DYSTROPHY, LIMB-GIRDLE, AUTOSOMAL RECESSIVE 10; Limb-girdle muscular dystrophy, type 2J. Identifiers: Orphanet 140922, MedGen C1837342, MONDO:0012127, OMIM 608807.
Dilated cardiomyopathy 1G (CMD1G). Identifiers: Orphanet 154, MedGen C1858763, MONDO:0011400, OMIM 604145.
Cardiomyopathy (CMYO). Also called: Cardiomyopathies. Identifiers: Orphanet 167848, MedGen C0878544, MONDO:0004994, HP:0001638. Inheritance: Various modes of inheritance.
Early-onset myopathy with fatal cardiomyopathy (CMYO5). Also called: CONGENITAL MYOPATHY 5 WITH CARDIOMYOPATHY; Salih Myopathy. Identifiers: Orphanet 289377, MedGen C2673677, MONDO:0012714, OMIM 611705. Disease mechanism: loss of function.
Myopathy, myofibrillar, 9, with early respiratory failure (MFM9). Also called: Myopathy, distal, with early respiratory failure, autosomal dominant; Hereditary myopathy with early respiratory failure; EDSTROM MYOPATHY; MYOPATHY, PROXIMAL, WITH EARLY RESPIRATORY MUSCLE INVOLVEMENT. Identifiers: Orphanet 178464, Orphanet 34521, MedGen C1863599, MONDO:0011362, OMIM 603689.
Tibial muscular dystrophy (TMD). Also called: Tibial muscular dystrophy, tardive; Udd Distal Myopathy – Tibial Muscular Dystrophy; UDD MYOPATHY. Identifiers: Orphanet 609, MedGen C1838244, MONDO:0010870, OMIM 600334.

Allele frequency attached by ClinVar (database versions not stated): ESP Exome Variant Server 0.00075; gnomAD exomes 0.00037 and 0.00073; TOPMed 0.00049; gnomAD 0.00047 and 0.00050; ExAC 0.00063.
gnomAD v4.1: 660 of 1,608,640 alleles (0.041%); highest among the groups gnomAD compares: East Asian, 0.009%; 3 homozygotes.

Submissions (19):

CeGaT Center for Human Genetics Tuebingen
Classification: Likely benign. Last evaluated: 2026-07-01. Review status: criteria provided, single submitter. Criteria: CeGaT Center For Human Genetics Tuebingen Variant Classification Criteria Version 2. Collection method: clinical testing. Allele origin: germline. Affected: yes. Observed: 49 variant alleles.
Comment: TTN: BP4, BP7

Labcorp Genetics (formerly Invitae), Labcorp
Classification: Benign for Dilated cardiomyopathy 1G; Autosomal recessive limb-girdle muscular dystrophy type 2J. Last evaluated: 2026-01-27. Review status: criteria provided, single submitter. Criteria: Invitae Variant Classification Sherloc (09022015). Collection method: clinical testing. Allele origin: germline.

Blueprint Genetics
Classification: Likely benign. Last evaluated: 2024-11-11. Review status: criteria provided, single submitter. Criteria: ACMG Guidelines, 2015. Collection method: clinical testing. Allele origin: germline.

Women's Health and Genetics/Laboratory Corporation of America, LabCorp
Classification: Benign. Last evaluated: 2020-08-30. Review status: criteria provided, single submitter. Criteria: LabCorp Variant Classification Summary - May 2015. Collection method: clinical testing. Allele origin: germline.

ARUP Laboratories, Molecular Genetics and Genomics, ARUP Laboratories
Classification: Benign. Last evaluated: 2019-11-21. Review status: criteria provided, single submitter. Criteria: ARUP Molecular Germline Variant Investigation Process. Collection method: clinical testing. Allele origin: germline.

Illumina Laboratory Services, Illumina
Classification: Uncertain significance for Early-onset myopathy with fatal cardiomyopathy. Last evaluated: 2017-04-27. Review status: criteria provided, single submitter. Criteria: ICSL Variant Classification Criteria 13 December 2019. Collection method: clinical testing. Allele origin: germline.

Illumina Laboratory Services, Illumina
Classification: Benign for Myopathy, myofibrillar, 9, with early respiratory failure. Last evaluated: 2017-04-27. Review status: criteria provided, single submitter. Criteria: ICSL Variant Classification Criteria 13 December 2019. Collection method: clinical testing. Allele origin: germline.
Comment: This variant was observed as part of a predisposition screen in an ostensibly healthy population. A literature search was performed for the gene, cDNA change, and amino acid change (where applicable). No publications were found based on this search. Allele frequency data from public databases was too high to be consistent with this variant causing disease. Therefore, this variant is classified as benign.

Illumina Laboratory Services, Illumina
Classification: Uncertain significance for Autosomal recessive limb-girdle muscular dystrophy type 2J. Last evaluated: 2017-04-27. Review status: criteria provided, single submitter. Criteria: ICSL Variant Classification Criteria 13 December 2019. Collection method: clinical testing. Allele origin: germline.

Illumina Laboratory Services, Illumina
Classification: Uncertain significance for Dilated cardiomyopathy 1G. Last evaluated: 2017-04-27. Review status: criteria provided, single submitter. Criteria: ICSL Variant Classification Criteria 13 December 2019. Collection method: clinical testing. Allele origin: germline.

Illumina Laboratory Services, Illumina
Classification: Benign for Tibial muscular dystrophy. Last evaluated: 2017-04-27. Review status: criteria provided, single submitter. Criteria: ICSL Variant Classification Criteria 13 December 2019. Collection method: clinical testing. Allele origin: germline.
Comment: the same text as in the submission from Illumina Laboratory Services, Illumina above.

Eurofins Ntd Llc (ga)
Classification: Likely benign. Last evaluated: 2017-01-03. Review status: criteria provided, single submitter. Criteria: EGL Classification Definitions 2015. Collection method: clinical testing. Allele origin: germline. Observed: 3 variant alleles, 3 heterozygotes.

Athena Diagnostics
Classification: Benign. Last evaluated: 2016-10-24. Review status: criteria provided, single submitter. Criteria: Athena Diagnostics Criteria. Collection method: clinical testing. Allele origin: germline.

CHEO Genetics Diagnostic Laboratory, Children's Hospital of Eastern Ontario
Classification: Likely benign for Cardiomyopathy. Last evaluated: 2016-05-27. Review status: criteria provided, single submitter. Criteria: ACMG Guidelines, 2015. Collection method: clinical testing. Allele origin: germline. Study: Canadian Open Genetics Repository.

Laboratory for Molecular Medicine, Mass General Brigham Personalized Medicine
Classification: Likely benign. Last evaluated: 2015-06-09. Review status: criteria provided, single submitter. Criteria: LMM Criteria. Collection method: clinical testing. Allele origin: germline. Observed: 4 variant alleles.
Comment: p.Ala19300Ala in exon 262 of TTN: This variant is not expected to have clinical significance because it does not alter an amino acid residue and is not located within the splice consensus sequence. It has been identified in 0.1% (72/64500) of European chromosomes by the Exome Aggregation Consortium (ExAC.; dbSNP rs200825430).

GeneDx
Classification: Benign. Last evaluated: 2014-02-20. Review status: criteria provided, single submitter. Criteria: GeneDx Variant Classification (06012015). Collection method: clinical testing. Allele origin: germline. Affected: yes.
Comment: This variant is considered likely benign or benign based on one or more of the following criteria: it is a conservative change, it occurs at a poorly conserved position in the protein, it is predicted to be benign by multiple in silico algorithms, and/or has population frequency not consistent with disease.

Ambry Genetics
Classification: Likely benign for Cardiovascular phenotype. Last evaluated: 2013-10-29. Review status: criteria provided, single submitter. Criteria: Ambry Autosomal Dominant and X-Linked criteria (10/2015). Collection method: clinical testing. Allele origin: germline. Observed: 1 variant allele.

PreventionGenetics, part of Exact Sciences
Classification: Likely benign for TTN-related condition. Last evaluated: 2023-11-30. Review status: no assertion criteria provided. Collection method: clinical testing. Allele origin: germline. Not counted in ClinVar's aggregate classification.
Comment: This variant is classified as likely benign based on ACMG/AMP sequence variant interpretation guidelines (Richards et al. 2015 PMID: 25741868, with internal and published modifications).

Clinical Genetics, Academic Medical Center
Classification: Benign. Review status: no assertion criteria provided. Collection method: clinical testing. Allele origin: germline. Affected: yes. Study: VKGL Data-share Consensus. Not counted in ClinVar's aggregate classification.

Diagnostic Laboratory, Department of Genetics, University Medical Center Groningen
Classification: Likely benign. Review status: no assertion criteria provided. Collection method: clinical testing. Allele origin: germline. Affected: yes. Study: VKGL Data-share Consensus. Not counted in ClinVar's aggregate classification.

NM_001267550.2(TTN):c.65604T>C (p.Ala21868=)

Genes: TTN-AS1 (TTN antisense RNA 1; plus strand), TTN (titin; minus strand). Cytogenetic location: 2q31.2.
Variant type: single nucleotide variant.
Coding change: c.65604T>C on transcript NM_001267550.2 (MANE Select); coding-DNA position 65604, T replaced by C.
Protein change: p.Ala21868=; no amino-acid change (alanine 21868 retained).
Molecular consequence: synonymous variant.
Genome position (GRCh38, 1-based): chr2:178,583,199, A>G on the plus strand (T>C on the coding strand, the complement: TTN is on the minus strand). VCF-style: chr2-178583199-A-G. GRCh37 (hg19) VCF-style: chr2-179447926-A-G.
Other names: p.A20227A:GCT>GCC; c.60681T>C, p.Ala20227= (NM_001256850.1); c.57900T>C, p.Ala19300= (NM_133378.4); c.38409T>C, p.Ala12803= (NM_003319.4); c.38784T>C, p.Ala12928= (NM_133432.3); c.38985T>C, p.Ala12995= (NM_133437.4).
Identifiers: ClinVar variation 47225 (VCV000047225.72), dbSNP rs200825430, ClinGen allele CA283609.